The following is an entry in ClinVar:

NM_001048174.2(MUTYH):c.1542_1543dup (p.Ser515fs)

Gene: MUTYH (mutY DNA glycosylase; minus strand). Cytogenetic location: 1p34.1.
Variant type: Microsatellite.
Coding change: c.1542_1543dup on transcript NM_001048174.2 (MANE Select); coding-DNA positions 1542 to 1543, 2 bases duplicated (CA; older notation c.1542_1543dupCA).
Protein change: p.Ser515fs; shifts the reading frame from serine 515.
Molecular consequence: frameshift variant. On other transcripts: non-coding transcript variant (7).
Genome position (GRCh38, 1-based): chr1:45,329,329-45,329,330, TG duplicated on the plus strand (CA on the coding strand, the reverse complement: MUTYH is on the minus strand); duplicating any 2 consecutive bases within chr1:45,329,329-45,329,334 gives the same sequence; the c. name uses the placement nearest the transcript's 3' end. VCF-style (leftmost placement, unchanged base first): chr1-45329328-C-CTG. GRCh37 (hg19) VCF-style: chr1-45795000-C-CTG.
Other names: c.1622_1623CA[4], p.Ser543Thrfs (NM_001128425.1); c.1626_1627dup, p.Ser543fs (NM_001128425.2); c.1587_1588dup, p.Ser530fs (NM_001293190.2); c.1575_1576dup, p.Ser526fs (NM_001293191.2, NM_001407069.1, NM_001407077.1); c.1266_1267dup, p.Ser423fs (NM_001293192.2, NM_001293196.2, NM_001407091.1); c.1542_1543dup, p.Ser515fs (NM_001293195.2, NM_001407070.1, NM_001407072.1 and 6 more transcripts); c.1197_1198dup, p.Ser400fs (NM_001350650.2, NM_001350651.2, NM_001407082.1); c.1545_1546dup, p.Ser516fs (NM_001407071.1, NM_001048172.2, NM_001407078.1 and 1 more transcripts); and 7 more; short protein forms S515fs, S526fs, S543fs, S400fs, S502fs, S516fs, S522fs, S529fs.
Identifiers: ClinVar variation 5024998 (VCV005024998.1).

ClinVar aggregate classification (germline): Uncertain significance (1 of 4 stars; one submission).

Conditions:
Hereditary cancer-predisposing syndrome. Also called: Neoplastic Syndromes, Hereditary; Tumor predisposition; Hereditary neoplastic syndrome; Hereditary Cancer Syndrome. Identifiers: Orphanet 140162, MedGen C0027672, MeSH D009386, MONDO:0015356.

Submission:

Ambry Genetics
Classification: Uncertain significance for Hereditary cancer-predisposing syndrome. Last evaluated: 2026-07-20. Review status: criteria provided, single submitter. Criteria: Ambry Variant Classification Scheme 2023. Collection method: clinical testing. Allele origin: germline.
Comment: The c.1626_1627dupCA variant, located in coding exon 16 of the MUTYH gene, results from a duplication of CA at nucleotide position 1626, causing a translational frameshift with a predicted alternate stop codon (p.S543Tfs*29). This variant occurs at the 3' terminus of the gene, is not expected to trigger nonsense-mediated mRNAdecay and results in the elongation of the protein by 21 amino acids. This frameshift impacts the last 1.3% of the native protein. The exact functional effect of the altered amino acids is unknown. Based on the available evidence, the clinical significance of this variant remains unclear.